The following is an entry in ClinVar:

ClinVar aggregate classification (germline): Uncertain significance. Review status: criteria provided, multiple submitters, no conflicts (2 of 4 stars). 2 submissions from 2 submitters: Uncertain significance (2). Last evaluated 2025-07-01.

Conditions:
Hypersulfaturia (HYSULF). Identifiers: MedGen C5830511, MONDO:0957268, OMIM 620372.
Nephrolithiasis susceptibility caused by SLC26A1 (CAON1). Also called: NEPHROLITHIASIS, CALCIUM OXALATE, 1. Identifiers: MedGen C5779632, MONDO:0020722, OMIM 167030.

Submissions (2):

Labcorp Genetics (formerly Invitae), Labcorp
Classification: Uncertain significance. Last evaluated: 2025-07-01. Review status: criteria provided, single submitter. Criteria: Invitae Variant Classification Sherloc (09022015). Collection method: clinical testing. Allele origin: germline.
Comment: This variant, c.1277_1285del, results in the deletion of 3 amino acid(s) of the SLC26A1 protein (p.Val426_Leu428del), but otherwise preserves the integrity of the reading frame. This variant is present in population databases (rs748561401, gnomAD 0.01%). This variant has not been reported in the literature in individuals affected with SLC26A1-related conditions. Experimental studies and prediction algorithms are not available or were not evaluated, and the functional significance of this variant is currently unknown. In summary, the available evidence is currently insufficient to determine the role of this variant in disease. Therefore, it has been classified as a Variant of Uncertain Significance.

Fulgent Genetics
Classification: Uncertain significance for Nephrolithiasis susceptibility caused by SLC26A1; Hypersulfaturia. Last evaluated: 2024-04-10. Review status: criteria provided, single submitter. Criteria: ACMG Guidelines, 2015. Collection method: clinical testing. Allele origin: germline.

NM_022042.4(SLC26A1):c.1268TGCTGCTGG[1] (p.423VLL[1])

Genes: IDUA (alpha-L-iduronidase; plus strand), SLC26A1 (solute carrier family 26 member 1; minus strand). Cytogenetic location: 4p16.3.
Variant type: Microsatellite.
Coding change: c.1268TGCTGCTGG[1] on transcript NM_022042.4 (MANE Select); one copy of the 9-base unit TGCTGCTGG starting at c.1268; the reference has two copies in a row; one copy, 9 bases deleted.
Protein change: p.423VLL[1].
Molecular consequence: intron variant (on NM_000203.5).
Genome position (GRCh38, 1-based): chr4:989,654-989,662, CCAGCAGCA deleted on the plus strand (TGCTGCTGG on the coding strand, the reverse complement: SLC26A1 is on the minus strand); deleting any 9 consecutive bases within chr4:989,654-989,674 gives the same sequence; the position shown is the placement nearest the transcript's 3' end. VCF-style (leftmost placement, unchanged base first): chr4-989653-GCCAGCAGCA-G. GRCh37 (hg19) VCF-style: chr4-983441-GCCAGCAGCA-G.
Other names: c.1268TGCTGCTGG[1], p.423VLL[1] (NM_213613.4); c.576+1466_576+1474del (NM_134425.4); c.299+1717_299+1725del (NM_000203.5); c.1277_1285del (NM_213613.4).
Identifiers: ClinVar variation 3591494 (VCV003591494.2).